The following is an entry in ClinVar:

NM_013386.5(SLC25A24):c.1188C>A (p.Ser396Arg)

Gene: SLC25A24 (solute carrier family 25 member 24; minus strand). Cytogenetic location: 1p13.3.
Variant type: single nucleotide variant.
Coding change: c.1188C>A on transcript NM_013386.5 (MANE Select); coding-DNA position 1188, C replaced by A.
Protein change: p.Ser396Arg; replaces serine 396 with arginine.
Molecular consequence: missense variant.
Genome position (GRCh38, 1-based): chr1:108,139,119, G>T on the plus strand (C>A on the coding strand, the complement: SLC25A24 is on the minus strand). VCF-style: chr1-108139119-G-T. GRCh37 (hg19) VCF-style: chr1-108681741-G-T.
Other names: c.1131C>A, p.Ser377Arg (NM_213651.3); short protein forms S377R, S396R.
Identifiers: ClinVar variation 5029616 (VCV005029616.1).
Genomic context (GRCh38, chr1:108,139,119, plus strand): 5'-TTGAGCCTGCATGCGAGTTCTCACCAAAGCCAATGGGTAGCTGGCCAGCTGACCACAGGT[G>T]CTGGATAAGGCACCGCATCCCAGCAACACCATGACTCCAGGGTTTACAGAATCTTTTGCA-3'
Protein context (NP_037518.3, residues 386-406): MVLLGCGALS[Ser396Arg]TCGQLASYPL

ClinVar aggregate classification (germline): Uncertain significance (1 of 4 stars; one submission).

Conditions:
Inborn genetic diseases. Identifiers: MedGen C0950123, MeSH D030342.

gnomAD v4.1: 5 of 1,610,630 alleles (0.00031%); highest among the groups gnomAD compares: African/African-American, 0.0067%; no homozygotes.

Submission:

Ambry Genetics
Classification: Uncertain significance for Inborn genetic diseases. Last evaluated: 2026-08-17. Review status: criteria provided, single submitter. Criteria: Ambry Variant Classification Scheme 2023. Collection method: clinical testing. Allele origin: germline.
Comment: The c.1188C>A (p.S396R) alteration is located in exon 9 (coding exon 9) of the SLC25A24 gene. This alteration results from a C to A substitution at nucleotide position 1188, causing the serine (S) at amino acid position 396 to be replaced by an arginine (R). Based on data from gnomAD, the A allele has an overall frequency of 0.003% (1/31392) total alleles studied. The highest observed frequency was 0.012% (1/8708) of African alleles. Based on insufficient or conflicting evidence, the clinical significance of this alteration remains unclear.